The following is an entry in ClinVar:

NM_032119.4(ADGRV1):c.15737G>T (p.Arg5246Leu)

Gene: ADGRV1 (adhesion G protein-coupled receptor V1; plus strand). Cytogenetic location: 5q14.3.
Variant type: single nucleotide variant.
Coding change: c.15737G>T on transcript NM_032119.4 (MANE Select); coding-DNA position 15737, G replaced by T.
Protein change: p.Arg5246Leu; replaces arginine 5246 with leucine.
Molecular consequence: missense variant. On other transcripts: non-coding transcript variant (1).
Genome position (GRCh38, 1-based): chr5:90,810,997, G>T. VCF-style: chr5-90810997-G-T. GRCh37 (hg19) VCF-style: chr5-90106814-G-T.
Other names: short protein forms R5246L.
Identifiers: ClinVar variation 838961 (VCV000838961.12), dbSNP rs772037044, ClinGen allele CA3341972.

ClinVar aggregate classification (germline): Conflicting classifications of pathogenicity. Review status: criteria provided, conflicting classifications (1 of 4 stars). 5 submissions from 5 submitters: Uncertain significance (4); Likely benign (1). Last evaluated 2026-04-21.

Conditions:
ADGRV1-related disorder. Also called: ADGRV1-related condition; ADGRV1-related disorders.
Inborn genetic diseases. Identifiers: MedGen C0950123, MeSH D030342.

Allele frequency attached by ClinVar (database versions not stated): TOPMed 0.00006.
gnomAD v4.1: 29 of 1,613,828 alleles (0.0018%); highest among the groups gnomAD compares: Admixed American, 0.048%; no homozygotes.

Submissions (5):

PreventionGenetics, part of Exact Sciences
Classification: Uncertain significance for ADGRV1-related condition. Last evaluated: 2026-04-21. Review status: criteria provided, single submitter. Criteria: ACMG Guidelines, 2015. Collection method: clinical testing. Allele origin: germline.
Comment: The ADGRV1 c.15737G>T variant is predicted to result in the amino acid substitution p.Arg5246Leu. To our knowledge, this variant has not been reported in the literature. This variant is reported in 0.072% of alleles in individuals of Latino descent in gnomAD, which may be too frequent to be a primary cause of disease. Although we suspect that this variant may be benign, at this time, the clinical significance of this variant is uncertain due to the absence of conclusive functional and genetic evidence.

Labcorp Genetics (formerly Invitae), Labcorp
Classification: Likely benign. Last evaluated: 2025-09-17. Review status: criteria provided, single submitter. Criteria: Invitae Variant Classification Sherloc (09022015). Collection method: clinical testing. Allele origin: germline.

Ambry Genetics
Classification: Uncertain significance for Inborn genetic diseases. Last evaluated: 2025-02-08. Review status: criteria provided, single submitter. Criteria: Ambry Variant Classification Scheme 2023. Collection method: clinical testing. Allele origin: germline.

GeneDx
Classification: Uncertain significance. Last evaluated: 2024-07-22. Review status: criteria provided, single submitter. Criteria: GeneDx Variant Classification Process June 2021. Collection method: clinical testing. Allele origin: germline.
Comment: In silico analysis supports that this missense variant has a deleterious effect on protein structure/function; Has not been previously published as pathogenic or benign to our knowledge

Blueprint Genetics
Classification: Uncertain significance. Last evaluated: 2022-02-08. Review status: criteria provided, single submitter. Criteria: ACMG Guidelines, 2015. Collection method: clinical testing. Allele origin: germline.